The following is an entry in ClinVar:

NM_080860.4(RSPH1):c.340A>G (p.Thr114Ala)

Gene: RSPH1 (radial spoke head component 1; minus strand). Cytogenetic location: 21q22.3.
Variant type: single nucleotide variant.
Coding change: c.340A>G on transcript NM_080860.4 (MANE Select); coding-DNA position 340, A replaced by G.
Protein change: p.Thr114Ala; replaces threonine 114 with alanine.
Molecular consequence: missense variant.
Genome position (GRCh38, 1-based): chr21:42,486,396, T>C on the plus strand (A>G on the coding strand, the complement: RSPH1 is on the minus strand). VCF-style: chr21-42486396-T-C. GRCh37 (hg19) VCF-style: chr21-43906506-T-C.
Other names: c.226A>G, p.Thr76Ala (NM_001286506.2); short protein forms T114A, T76A.
Identifiers: ClinVar variation 571106 (VCV000571106.9), dbSNP rs764166547, ClinGen allele CA10043976.
Genomic context (GRCh38, chr21:42,486,396, plus strand): 5'-GCAAATCCCGTTAAGACCCAAGATAGAAACCGAACCTTTGATGAGCAAACCACTCTCCAG[T>C]GTAGGTGTCATTATTGATGTAGTAGTATACGCCATGGCCGTGCCGCAGGTCATTTGCCCA-3'
Protein context (NP_543136.1, residues 104-124): VYYYINNDTY[Thr114Ala]GEWFAHQRHG

ClinVar aggregate classification (germline): Uncertain significance (1 of 4 stars; one submission).

Conditions:
Primary ciliary dyskinesia. Also called: Ciliary dyskinesia. Identifiers: Orphanet 244, MedGen C0008780, MONDO:0016575, HP:0012265.

Allele frequency attached by ClinVar (database versions not stated): gnomAD exomes below 0.00001; ExAC 0.00001; TOPMed 0.00001.
gnomAD v4.1: 1 of 1,613,786 alleles (0.000062%); highest among the groups gnomAD compares: Non-Finnish European, 0.000085%; no homozygotes.

Submission:

Labcorp Genetics (formerly Invitae), Labcorp
Classification: Uncertain significance for Primary ciliary dyskinesia. Last evaluated: 2022-08-09. Review status: criteria provided, single submitter. Criteria: Invitae Variant Classification Sherloc (09022015). Collection method: clinical testing. Allele origin: germline.
Comment: In summary, the available evidence is currently insufficient to determine the role of this variant in disease. Therefore, it has been classified as a Variant of Uncertain Significance. Algorithms developed to predict the effect of missense changes on protein structure and function are either unavailable or do not agree on the potential impact of this missense change (SIFT: "Tolerated"; PolyPhen-2: "Possibly Damaging"; Align-GVGD: "Class C0"). ClinVar contains an entry for this variant (Variation ID: 571106). This missense change has been observed in individual(s) with clinical features of RSPH1-related conditions (Invitae). This variant is present in population databases (rs764166547, gnomAD 0.007%). This sequence change replaces threonine, which is neutral and polar, with alanine, which is neutral and non-polar, at codon 114 of the RSPH1 protein (p.Thr114Ala).